The following is an entry in ClinVar:

NM_005236.3(ERCC4):c.870A>G (p.Ile290Met)

Gene: ERCC4 (ERCC excision repair 4, endonuclease catalytic subunit; plus strand). Cytogenetic location: 16p13.12.
Variant type: single nucleotide variant.
Coding change: c.870A>G on transcript NM_005236.3 (MANE Select); coding-DNA position 870, A replaced by G.
Protein change: p.Ile290Met; replaces isoleucine 290 with methionine.
Molecular consequence: missense variant.
Genome position (GRCh38, 1-based): chr16:13,930,787, A>G. VCF-style: chr16-13930787-A-G. GRCh37 (hg19) VCF-style: chr16-14024644-A-G.
Other names: c.870A>G (NM_005236.2); short protein forms I290M.
Identifiers: ClinVar variation 1439112 (VCV001439112.6), dbSNP rs1237587281, ClinGen allele CA394804475.

ClinVar aggregate classification (germline): Uncertain significance. Review status: criteria provided, multiple submitters, no conflicts (2 of 4 stars). 2 submissions from 2 submitters: Uncertain significance (2). Last evaluated 2025-04-28.

Conditions:
Cockayne syndrome. Identifiers: Orphanet 191, MedGen C0009207, MONDO:0016006.
Xeroderma pigmentosum, group F (XPF). Also called: XERODERMA PIGMENTOSUM, COMPLEMENTATION GROUP F; XERODERMA PIGMENTOSUM, TYPE F; Xeroderma pigmentosum, type 6; ERCC4-Related Xeroderma Pigmentosum; XERODERMA PIGMENTOSUM VI; XP, GROUP F. Identifiers: MedGen C0268140, MONDO:0010215, OMIM 278760.
Fanconi anemia complementation group Q. Identifiers: Orphanet 84, MedGen C3808988, MONDO:0014108, OMIM 615272.
Inborn genetic diseases. Identifiers: MedGen C0950123, MeSH D030342.

Allele frequency attached by ClinVar (database versions not stated): TOPMed 0.00001.
gnomAD v4.1: 12 of 1,612,524 alleles (0.00074%); highest among the groups gnomAD compares: Middle Eastern, 0.017%; no homozygotes.

Submissions (2):

Ambry Genetics
Classification: Uncertain significance for Inborn genetic diseases. Last evaluated: 2025-04-28. Review status: criteria provided, single submitter. Criteria: Ambry Variant Classification Scheme 2023. Collection method: clinical testing. Allele origin: germline.

Labcorp Genetics (formerly Invitae), Labcorp
Classification: Uncertain significance for Fanconi anemia complementation group Q; Xeroderma pigmentosum, group F; Cockayne syndrome. Last evaluated: 2021-11-29. Review status: criteria provided, single submitter. Criteria: Invitae Variant Classification Sherloc (09022015). Collection method: clinical testing. Allele origin: germline.
Comment: In summary, the available evidence is currently insufficient to determine the role of this variant in disease. Therefore, it has been classified as a Variant of Uncertain Significance. Algorithms developed to predict the effect of missense changes on protein structure and function are either unavailable or do not agree on the potential impact of this missense change (SIFT: "Deleterious"; PolyPhen-2: "Possibly Damaging"; Align-GVGD: "Class C0"). This variant has not been reported in the literature in individuals affected with ERCC4-related conditions. This variant is not present in population databases (gnomAD no frequency). This sequence change replaces isoleucine, which is neutral and non-polar, with methionine, which is neutral and non-polar, at codon 290 of the ERCC4 protein (p.Ile290Met).